The following is an entry in ClinVar:

ClinVar aggregate classification (germline): Uncertain significance (1 of 4 stars; one submission).

Submission:

Dasa
Classification: Uncertain significance. Last evaluated: 2025-09-09. Review status: criteria provided, single submitter. Criteria: DASA Assertion Criteria. Collection method: clinical testing. Allele origin: germline.
Comment: NM_033395.2(CEP295):c.6_10del (p.Arg3Serfs*12) is a frameshift variant in CEP295 predicted to alter the reading frame and introduce a premature termination codon. This variant is rare in population databases. The currently available literature and clinical evidence are not sufficient to establish a definitive association between this variant and the reported condition. Therefore, this variant is classified as a variant of uncertain significance.

NM_033395.2(CEP295):c.6_10del (p.Arg3fs)

Gene: CEP295 (centrosomal protein 295; plus strand). Cytogenetic location: 11q21.
Variant type: Deletion.
Coding change: c.6_10del on transcript NM_033395.2 (MANE Select); coding-DNA positions 6 to 10, 5 bases deleted (GAGAA; older notation c.6_10delGAGAA).
Protein change: p.Arg3fs; shifts the reading frame from arginine 3.
Molecular consequence: frameshift variant, initiator codon variant.
Genome position (GRCh38, 1-based): chr11:93,666,713-93,666,717, GAGAA deleted; deleting any 5 consecutive bases within chr11:93,666,710-93,666,717 gives the same sequence; the c. name uses the placement nearest the transcript's 3' end. VCF-style (leftmost placement, unchanged base first): chr11-93666709-TGAAGA-T. GRCh37 (hg19) VCF-style: chr11-93399875-TGAAGA-T.
Other names: short protein forms R3fs.
Identifiers: ClinVar variation 4884082 (VCV004884082.2).